The following is an entry in ClinVar:

NM_000051.4(ATM):c.8483A>T (p.Gln2828Leu)

Genes: ATM (ATM serine/threonine kinase; plus strand), C11orf65 (chromosome 11 open reading frame 65; minus strand). Cytogenetic location: 11q22.3.
Variant type: single nucleotide variant.
Coding change: c.8483A>T on transcript NM_000051.4 (MANE Select); coding-DNA position 8483, A replaced by T.
Protein change: p.Gln2828Leu; replaces glutamine 2828 with leucine.
Molecular consequence: missense variant. On other transcripts: intron variant (2).
Genome position (GRCh38, 1-based): chr11:108,345,807, A>T. VCF-style: chr11-108345807-A-T. GRCh37 (hg19) VCF-style: chr11-108216534-A-T.
Other names: c.8483A>T, p.Gln2828Leu (NM_001351834.2); c.641-36736T>A (NM_001330368.2); c.695-10515T>A (NM_001351110.2); short protein forms Q2828L.
Identifiers: ClinVar variation 4825518 (VCV004825518.1).
Genomic context (GRCh38, chr11:108,345,807, plus strand): 5'-TGCAAAAAAAGTCTTTTGAAGAGAAATATGAAGTCTTCATGGATGTTTGCCAAAATTTTC[A>T]ACCAGTTTTCCGTTACTTCTGCATGGAAAAATTCTTGGATCCAGCTATTTGGTTTGAGAA-3'
Protein context (NP_000042.3, residues 2818-2838): EVFMDVCQNF[Gln2828Leu]PVFRYFCMEK

ClinVar aggregate classification (germline): Uncertain significance (1 of 4 stars; one submission).

Conditions:
Hereditary cancer-predisposing syndrome. Also called: Tumor predisposition; Hereditary neoplastic syndrome; Hereditary Cancer Syndrome; Neoplastic Syndromes, Hereditary. Identifiers: Orphanet 140162, MedGen C0027672, MeSH D009386, MONDO:0015356.

Submission:

Ambry Genetics
Classification: Uncertain significance for Hereditary cancer-predisposing syndrome. Last evaluated: 2026-02-06. Review status: criteria provided, single submitter. Criteria: Ambry Variant Classification Scheme 2023. Collection method: clinical testing. Allele origin: germline.
Comment: The p.Q2828L variant (also known as c.8483A>T), located in coding exon 57 of the ATM gene, results from an A to T substitution at nucleotide position 8483. The glutamine at codon 2828 is replaced by leucine, an amino acid with dissimilar properties. This amino acid position is not well conserved in available vertebrate species. In addition, the in silico prediction for this alteration is inconclusive. Based on the available evidence, the clinical significance of this variant remains unclear.